The following is an entry in ClinVar:

ClinVar aggregate classification (germline): Uncertain significance (1 of 4 stars; one submission).

Conditions:
Intellectual disability-severe speech delay-mild dysmorphism syndrome (IDDLA). Also called: Intellectual developmental disorder with language impairment AND with or without autistic features; FOXP1 Syndrome; Mental retardation with language impairment and autistic features. Identifiers: Orphanet 391372, MedGen C4013764, MONDO:0013352, OMIM 613670.

Submission:

Neuberg Centre For Genomic Medicine, NCGM
Classification: Uncertain significance for Intellectual disability-severe speech delay-mild dysmorphism syndrome. Last evaluated: 2023-06-22. Review status: criteria provided, single submitter. Criteria: ACMG Guidelines, 2015. Collection method: clinical testing. Allele origin: germline. Inheritance: Autosomal dominant inheritance. Affected: yes.
Comment: The observed missense c.775G>C (p.Val259Leu) variant in FOXP1 gene has not been reported previously as a pathogenic variant nor as a benign variant, to our knowledge. The p.Val259Leu variant is absent in gnomAD Exomes. This variant has not been submitted to the ClinVar database. Multiple lines of computational evidence (Polyphen - Benign, SIFT - Tolerated and MutationTaster - Disease causing) predicts conflicting evidence on protein structure and function for this variant. The reference amino acid on FOXP1 gene is predicted as conserved by GERP++ and PhyloP across 100 vertebrates. The amino acid Val at position 259 is changed to a Leu changing protein sequence and it might alter its composition and physico-chemical properties. For these reasons, this variant has been classified as Variant of Uncertain Significance (VUS).

NM_001349338.3(FOXP1):c.775G>C (p.Val259Leu)

Gene: FOXP1 (forkhead box P1; minus strand). Cytogenetic location: 3p13.
Variant type: single nucleotide variant.
Coding change: c.775G>C on transcript NM_001349338.3 (MANE Select); coding-DNA position 775, G replaced by C.
Protein change: p.Val259Leu; replaces valine 259 with leucine.
Molecular consequence: missense variant. On other transcripts: non-coding transcript variant (2).
Genome position (GRCh38, 1-based): chr3:71,041,422, C>G on the plus strand (G>C on the coding strand, the complement: FOXP1 is on the minus strand). VCF-style: chr3-71041422-C-G. GRCh37 (hg19) VCF-style: chr3-71090573-C-G.
Other names: c.775G>C, p.Val259Leu (NM_001349340.3, NM_032682.6, NM_001244808.3 and 3 more transcripts); c.772G>C, p.Val258Leu (NM_001349341.3); c.475G>C, p.Val159Leu (NM_001349342.3, NM_001370548.1, NM_001244813.3 and 1 more transcripts); c.472G>C, p.Val158Leu (NM_001349343.3, NM_001349344.3, NM_001349337.2); c.547G>C, p.Val183Leu (NM_001244812.3); short protein forms V158L, V159L, V183L, V258L, V259L.
Identifiers: ClinVar variation 3377681 (VCV003377681.1).